The following is an entry in ClinVar:

ClinVar aggregate classification (germline): Uncertain significance. Review status: criteria provided, multiple submitters, no conflicts (2 of 4 stars). 2 submissions from 2 submitters: Uncertain significance (2). Last evaluated 2025-09-19.

Conditions:
POLD1-related polyposis and colorectal cancer syndrome (CRCS10). Also called: Colorectal cancer 10; COLORECTAL CANCER, SUSCEPTIBILITY TO, ON CHROMOSOME 19q; Colorectal cancer, susceptibility to, 10. Identifiers: Orphanet 220460, MedGen C2675481, MONDO:0012953, OMIM 612591.
Hereditary cancer-predisposing syndrome. Also called: Neoplastic Syndromes, Hereditary; Hereditary neoplastic syndrome; Tumor predisposition; Hereditary Cancer Syndrome. Identifiers: Orphanet 140162, MedGen C0027672, MeSH D009386, MONDO:0015356.

Allele frequency attached by ClinVar (database versions not stated): gnomAD exomes below 0.00001 and 0.00001; TOPMed below 0.00001; ExAC 0.00001.
gnomAD v4.1: 20 of 1,613,934 alleles (0.0012%); highest among the groups gnomAD compares: Non-Finnish European, 0.0017%; no homozygotes.

Submissions (2):

Ambry Genetics
Classification: Uncertain significance for Hereditary cancer-predisposing syndrome. Last evaluated: 2025-09-19. Review status: criteria provided, single submitter. Criteria: Ambry Variant Classification Scheme 2023. Collection method: clinical testing. Allele origin: germline.
Comment: The p.M459V variant (also known as c.1375A>G), located in coding exon 10 of the POLD1 gene, results from an A to G substitution at nucleotide position 1375. The methionine at codon 459 is replaced by valine, an amino acid with highly similar properties. This amino acid position is not well conserved in available vertebrate species. In addition, this alteration is predicted to be tolerated by in silico analysis. Since supporting evidence is limited at this time, the clinical significance of this alteration remains unclear.

Labcorp Genetics (formerly Invitae), Labcorp
Classification: Uncertain significance for POLD1-related polyposis and colorectal cancer syndrome. Last evaluated: 2025-04-21. Review status: criteria provided, single submitter. Criteria: Invitae Variant Classification Sherloc (09022015). Collection method: clinical testing. Allele origin: germline.
Comment: This sequence change replaces methionine, which is neutral and non-polar, with valine, which is neutral and non-polar, at codon 459 of the POLD1 protein (p.Met459Val). The frequency data for this variant in the population databases is considered unreliable, as metrics indicate poor data quality at this position in the gnomAD database. This variant has not been reported in the literature in individuals affected with POLD1-related conditions. ClinVar contains an entry for this variant (Variation ID: 469194). Invitae Evidence Modeling of protein sequence and biophysical properties (such as structural, functional, and spatial information, amino acid conservation, physicochemical variation, residue mobility, and thermodynamic stability) indicates that this missense variant is not expected to disrupt POLD1 protein function with a negative predictive value of 80%. In summary, the available evidence is currently insufficient to determine the role of this variant in disease. Therefore, it has been classified as a Variant of Uncertain Significance.

NM_002691.4(POLD1):c.1375A>G (p.Met459Val)

Gene: POLD1 (DNA polymerase delta 1, catalytic subunit; plus strand). Cytogenetic location: 19q13.33.
Variant type: single nucleotide variant.
Coding change: c.1375A>G on transcript NM_002691.4 (MANE Select); coding-DNA position 1375, A replaced by G.
Protein change: p.Met459Val; replaces methionine 459 with valine.
Molecular consequence: missense variant. On other transcripts: non-coding transcript variant (1).
Genome position (GRCh38, 1-based): chr19:50,406,314, A>G. VCF-style: chr19-50406314-A-G. GRCh37 (hg19) VCF-style: chr19-50909571-A-G.
Other names: c.1375A>G, p.Met459Val (NM_001256849.1, NM_001308632.1); short protein forms M459V.
Identifiers: ClinVar variation 469194 (VCV000469194.12), dbSNP rs774331018, ClinGen allele CA9596114.